The following is an entry in ClinVar:

NM_001009944.3(PKD1):c.2542_2552del (p.Gln848fs)

Gene: PKD1 (polycystin 1, transient receptor potential channel interacting; minus strand). Cytogenetic location: 16p13.3.
Variant type: Deletion.
Coding change: c.2542_2552del on transcript NM_001009944.3 (MANE Select); coding-DNA positions 2542 to 2552, 11 bases deleted (CAGGTGGACTC).
Protein change: p.Gln848fs; shifts the reading frame from glutamine 848.
Molecular consequence: frameshift variant.
Genome position (GRCh38, 1-based): chr16:2,114,471-2,114,481, GAGTCCACCTG deleted on the plus strand (CAGGTGGACTC on the coding strand, the reverse complement: PKD1 is on the minus strand); deleting any 11 consecutive bases within chr16:2,114,471-2,114,484 gives the same sequence; the c. name uses the placement nearest the transcript's 3' end. VCF-style (leftmost placement, unchanged base first): chr16-2114470-AGAGTCCACCTG-A. GRCh37 (hg19) VCF-style: chr16-2164471-AGAGTCCACCTG-A.
Other names: c.2542_2552del, p.Gln848fs (NM_000296.4); short protein forms Q848fs.
Identifiers: ClinVar variation 4879622 (VCV004879622.1).

ClinVar aggregate classification (germline): Pathogenic (1 of 4 stars; one submission).

Conditions:
Polycystic kidney disease, adult type (PKD1). Also called: Polycystic Kidney Disease 1, Autosomal Dominant; Polycystic kidney disease 1; Polycystic kidney disease 1, severe; POLYCYSTIC KIDNEY DISEASE, ADULT, TYPE I; Polycystic Kidney, Autosomal Dominant; POLYCYSTIC KIDNEY DISEASE 1 WITH OR WITHOUT POLYCYSTIC LIVER DISEASE. Identifiers: MedGen C3149841, MONDO:0008263, OMIM 173900.

Submission:

Victorian Clinical Genetics Services, Murdoch Childrens Research Institute
Classification: Pathogenic for Polycystic kidney disease, adult type. Last evaluated: 2026-05-06. Review status: criteria provided, single submitter. Criteria: ACMG Guidelines, 2015. Collection method: clinical testing. Allele origin: germline. Affected: yes.
Comment: This variant is classified as Pathogenic. Evidence in support of pathogenic classification: Variant is predicted to cause nonsense-mediated decay (NMD) and loss of protein (premature termination codon is located at least 54 nucleotides upstream of the final exon-exon junction); Variant is absent from gnomAD (v2, v3 and v4); Other NMD-predicted variant(s) comparable to the one identified in this case have very strong previous evidence for pathogenicity (DECIPHER). Additional information: This variant is heterozygous; This gene is associated with autosomal dominant disease. Polycystic kidney disease 1 (MIM#173900) is predominantly caused by monoallelic variants, with rare reports of biallelic variants causing disease (OMIM); Loss of function is a known mechanism of disease in this gene and is associated with polycystic kidney disease 1 (MIM#173900); Inheritance information for this variant is not currently available in this individual.